The following is an entry in ClinVar:

ClinVar aggregate classification (germline): Likely benign. Review status: criteria provided, multiple submitters, no conflicts (2 of 4 stars). 3 submissions from 3 submitters: Likely benign (3). Last evaluated 2025-05-09.

Conditions:
TECTA-related disorder. Also called: TECTA-related condition.

Allele frequency attached by ClinVar (database versions not stated): gnomAD 0.00002; 1000 Genomes Project 30x 0.00125; 1000 Genomes Project 0.00140.
gnomAD v4.1: 368 of 1,613,942 alleles (0.023%); highest among the groups gnomAD compares: South Asian, 0.37%; 3 homozygotes.

Submissions (3):

PreventionGenetics, part of Exact Sciences
Classification: Likely benign for TECTA-related condition. Last evaluated: 2025-05-09. Review status: criteria provided, single submitter. Criteria: ACMG Guidelines, 2015. Collection method: clinical testing. Allele origin: germline.
Comment: This variant is classified as likely benign based on ACMG/AMP sequence variant interpretation guidelines (Richards et al. 2015 PMID: 25741868, with internal and published modifications).

Labcorp Genetics (formerly Invitae), Labcorp
Classification: Likely benign. Last evaluated: 2025-01-21. Review status: criteria provided, single submitter. Criteria: Invitae Variant Classification Sherloc (09022015). Collection method: clinical testing. Allele origin: germline.

Breakthrough Genomics
Classification: Likely benign. Review status: criteria provided, single submitter. Criteria: ACMG Guidelines, 2015. Collection method: not provided. Allele origin: germline. Inheritance: Autosomal recessive inheritance. Affected: yes.

NM_005422.4(TECTA):c.3043G>C (p.Glu1015Gln)

Genes: TBCEL-TECTA (TBCEL-TECTA readthrough; plus strand), TECTA (tectorin alpha; plus strand). Cytogenetic location: 11q23.3.
Variant type: single nucleotide variant.
Coding change: c.3043G>C on transcript NM_005422.4 (MANE Select); coding-DNA position 3043, G replaced by C.
Protein change: p.Glu1015Gln; replaces glutamic acid 1015 with glutamine.
Molecular consequence: missense variant.
Genome position (GRCh38, 1-based): chr11:121,137,522, G>C. VCF-style: chr11-121137522-G-C. GRCh37 (hg19) VCF-style: chr11-121008231-G-C.
Other names: c.4000G>C, p.Glu1334Gln (NM_001378761.1); c.3043G>C (NM_005422.2); short protein forms E1015Q, E1334Q.
Identifiers: ClinVar variation 1670605 (VCV001670605.10), dbSNP rs536343896, ClinGen allele CA6327145.